The following is an entry in ClinVar:

ClinVar aggregate classification (germline): Uncertain significance (1 of 4 stars; one submission).

Conditions:
Multiple endocrine neoplasia, type 1 (MEN1). Also called: MEN I; WERMER SYNDROME; Endocrine adenomatosis multiple; MEN 1; MEA I. Identifiers: Orphanet 652, MedGen C0025267, MeSH D018761, MONDO:0007540, OMIM 131100.

Submission:

Labcorp Genetics (formerly Invitae), Labcorp
Classification: Uncertain significance for Multiple endocrine neoplasia, type 1. Last evaluated: 2019-09-21. Review status: criteria provided, single submitter. Criteria: Invitae Variant Classification Sherloc (09022015). Collection method: clinical testing. Allele origin: germline.
Comment: In summary, the available evidence is currently insufficient to determine the role of this variant in disease. Therefore, it has been classified as a Variant of Uncertain Significance. Algorithms developed to predict the effect of missense changes on protein structure and function do not agree on the potential impact of this missense change (SIFT: "Deleterious"; PolyPhen-2: "Possibly Damaging"; Align-GVGD: "Class C0"). This variant has not been reported in the literature in individuals with MEN1-related disease. This variant is not present in population databases (ExAC no frequency). This sequence change replaces glycine with cysteine at codon 445 of the MEN1 protein (p.Gly445Cys). The glycine residue is moderately conserved and there is a large physicochemical difference between glycine and cysteine.

NM_001370259.2(MEN1):c.1333G>T (p.Gly445Cys)

Gene: MEN1 (menin 1; minus strand). Cytogenetic location: 11q13.1.
Variant type: single nucleotide variant.
Coding change: c.1333G>T on transcript NM_001370259.2 (MANE Select); coding-DNA position 1333, G replaced by T.
Protein change: p.Gly445Cys; replaces glycine 445 with cysteine.
Molecular consequence: missense variant.
Genome position (GRCh38, 1-based): chr11:64,805,051, C>A on the plus strand (G>T on the coding strand, the complement: MEN1 is on the minus strand). VCF-style: chr11-64805051-C-A. GRCh37 (hg19) VCF-style: chr11-64572523-C-A.
Other names: c.1333G>T, p.Gly445Cys (NM_001370260.2, NM_001370261.2, NM_130799.3); c.1228G>T, p.Gly410Cys (NM_001370262.2, NM_001370263.2); c.1348G>T, p.Gly450Cys (NM_130800.3, NM_130801.3, NM_130802.3 and 3 more transcripts); c.1459G>T, p.Gly487Cys (NM_001370251.2); short protein forms G445C, G450C, G410C, G487C.
Identifiers: ClinVar variation 527251 (VCV000527251.10), dbSNP rs1555164153, ClinGen allele CA381180110.
Genomic context (GRCh38, chr11:64,805,051, plus strand): 5'-TCACCACCTGTAGTGCCCAGACCTCTGTGCAGCTGTCCCTCACCTGTCCCTCAAAACGGC[C>A]TAGGGACTGCACAAGAAAGGTGGCCCAGCCCACATGCAGCACAGGCGTGGGACTGCCCTC-3'
Protein context (NP_001357188.2, residues 435-455): GWATFLVQSL[Gly445Cys]RFEGQVRQKV